The following is an entry in ClinVar:

ClinVar aggregate classification (germline): Uncertain significance. Review status: criteria provided, multiple submitters, no conflicts (2 of 4 stars). 2 submissions from 2 submitters: Uncertain significance (2). Last evaluated 2025-08-13.

Conditions:
Glycogen storage disease type III (GSD3). Also called: FORBES DISEASE; Cori disease. Identifiers: Orphanet 366, MedGen C0017922, MONDO:0009291, OMIM 232400.
Inborn genetic diseases. Identifiers: MedGen C0950123, MeSH D030342.

Allele frequency attached by ClinVar (database versions not stated): gnomAD exomes below 0.00001; TOPMed 0.00001.
gnomAD v4.1: 1 of 1,613,498 alleles (0.000062%); highest among the groups gnomAD compares: Non-Finnish European, 0.000085%; no homozygotes.

Submissions (2):

Ambry Genetics
Classification: Uncertain significance for Inborn genetic diseases. Last evaluated: 2025-08-13. Review status: criteria provided, single submitter. Criteria: Ambry Variant Classification Scheme 2023. Collection method: clinical testing. Allele origin: germline.

Labcorp Genetics (formerly Invitae), Labcorp
Classification: Uncertain significance for Glycogen storage disease type III. Last evaluated: 2024-01-22. Review status: criteria provided, single submitter. Criteria: Invitae Variant Classification Sherloc (09022015). Collection method: clinical testing. Allele origin: germline.
Comment: This sequence change replaces glutamic acid, which is acidic and polar, with glutamine, which is neutral and polar, at codon 72 of the AGL protein (p.Glu72Gln). This variant is not present in population databases (gnomAD no frequency). This variant has not been reported in the literature in individuals affected with AGL-related conditions. ClinVar contains an entry for this variant (Variation ID: 2183077). Advanced modeling of protein sequence and biophysical properties (such as structural, functional, and spatial information, amino acid conservation, physicochemical variation, residue mobility, and thermodynamic stability) performed at Invitae indicates that this missense variant is not expected to disrupt AGL protein function with a negative predictive value of 80%. In summary, the available evidence is currently insufficient to determine the role of this variant in disease. Therefore, it has been classified as a Variant of Uncertain Significance.

NM_000642.3(AGL):c.214G>C (p.Glu72Gln)

Gene: AGL (amylo-alpha-1,6-glucosidase and 4-alpha-glucanotransferase; plus strand). Cytogenetic location: 1p21.2.
Variant type: single nucleotide variant.
Coding change: c.214G>C on transcript NM_000642.3 (MANE Select); coding-DNA position 214, G replaced by C.
Protein change: p.Glu72Gln; replaces glutamic acid 72 with glutamine.
Molecular consequence: missense variant.
Genome position (GRCh38, 1-based): chr1:99,861,634, G>C. VCF-style: chr1-99861634-G-C. GRCh37 (hg19) VCF-style: chr1-100327190-G-C.
Other names: c.214G>C (NM_000642.2); c.214G>C, p.Glu72Gln (NM_001425327.1, NM_001425328.1, NM_001425329.1 and 5 more transcripts); c.166G>C, p.Glu56Gln (NM_000646.3); short protein forms E72Q, E56Q.
Identifiers: ClinVar variation 2183077 (VCV002183077.4), dbSNP rs1650044463, ClinGen allele CA341329530.